The following is an entry in ClinVar:

NM_001282860.2(GON4L):c.93C>T (p.Ala31=)

Gene: GON4L (gon-4 like; minus strand). Cytogenetic location: 1q22.
Variant type: single nucleotide variant.
Coding change: c.93C>T on transcript NM_001282860.2 (MANE Select); coding-DNA position 93, C replaced by T.
Protein change: p.Ala31=; no amino-acid change (alanine 31 retained).
Molecular consequence: synonymous variant.
Genome position (GRCh38, 1-based): chr1:155,853,688, G>A on the plus strand (C>T on the coding strand, the complement: GON4L is on the minus strand). VCF-style: chr1-155853688-G-A. GRCh37 (hg19) VCF-style: chr1-155823479-G-A.
Other names: c.93C>T, p.Ala31= (NM_001282856.2, NM_001282858.2, NM_001282861.2 and 1 more transcripts).
Identifiers: ClinVar variation 3353572 (VCV003353572.1).

ClinVar aggregate classification (germline): Likely benign (0 of 4 stars; one submission).

Conditions:
GON4L-related disorder. Also called: GON4L-related condition.

gnomAD v4.1: 62 of 1,613,212 alleles (0.0038%); highest among the groups gnomAD compares: Middle Eastern, 0.033%; no homozygotes.

Submission:

PreventionGenetics, part of Exact Sciences
Classification: Likely benign for GON4L-related condition. Last evaluated: 2019-02-28. Review status: no assertion criteria provided. Collection method: clinical testing. Allele origin: germline.
Comment: This variant is classified as likely benign based on ACMG/AMP sequence variant interpretation guidelines (Richards et al. 2015 PMID: 25741868, with internal and published modifications).